The following is an entry in ClinVar:

ClinVar aggregate classification (germline): Uncertain significance. Review status: criteria provided, multiple submitters, no conflicts (2 of 4 stars). 2 submissions from 2 submitters: Uncertain significance (2). Last evaluated 2024-10-01.

Conditions:
Retinitis pigmentosa (RP). Identifiers: Orphanet 791, MedGen C0035334, MeSH D012174, MONDO:0019200, OMIM 268000. Inheritance: Autosomal dominant, autosomal recessive and X linked inheritance.

Allele frequency attached by ClinVar (database versions not stated): TOPMed 0.00002; gnomAD 0.00001.
gnomAD v4.1: 17 of 1,612,426 alleles (0.0011%); highest among the groups gnomAD compares: South Asian, 0.0022%; no homozygotes.

Submissions (2):

Lab De Baere, Eye and Developmental Genetics Lab, Ghent University
Classification: Uncertain significance for Retinitis pigmentosa. Last evaluated: 2024-10-01. Review status: criteria provided, single submitter. Criteria: ACMG Guidelines, 2015. Collection method: research. Allele origin: inherited. Affected: yes. Observed: 1 variant allele.
Comment: ACMG/AMP guidelines: PM2, PP3, PP1, PM3_PP

Labcorp Genetics (formerly Invitae), Labcorp
Classification: Uncertain significance. Last evaluated: 2022-08-06. Review status: criteria provided, single submitter. Criteria: Invitae Variant Classification Sherloc (09022015). Collection method: clinical testing. Allele origin: germline.
Comment: This sequence change replaces arginine, which is basic and polar, with histidine, which is basic and polar, at codon 323 of the RBP3 protein (p.Arg323His). In summary, the available evidence is currently insufficient to determine the role of this variant in disease. Therefore, it has been classified as a Variant of Uncertain Significance. Algorithms developed to predict the effect of missense changes on protein structure and function are either unavailable or do not agree on the potential impact of this missense change (SIFT: "Deleterious"; PolyPhen-2: "Probably Damaging"; Align-GVGD: "Class C0"). This variant has not been reported in the literature in individuals affected with RBP3-related conditions. This variant is present in population databases (no rsID available, gnomAD 0.007%).

NM_002900.3(RBP3):c.968G>A (p.Arg323His)

Gene: RBP3 (retinol binding protein 3; plus strand). Cytogenetic location: 10q11.22.
Variant type: single nucleotide variant.
Coding change: c.968G>A on transcript NM_002900.3 (MANE Select); coding-DNA position 968, G replaced by A.
Protein change: p.Arg323His; replaces arginine 323 with histidine.
Molecular consequence: missense variant.
Genome position (GRCh38, 1-based): chr10:47,349,452, G>A. VCF-style: chr10-47349452-G-A. GRCh37 (hg19) VCF-style: chr10-48389910-C-T.
Other names: short protein forms R323H.
Identifiers: ClinVar variation 1913945 (VCV001913945.6), dbSNP rs1221021637, ClinGen allele CA376667404.
Genomic context (GRCh38, chr10:47,349,452, plus strand): 5'-CCTGTGTGGGGACTCCGGCCGAGCAGGCCCTGGAGAAAGCCCTGGCCATCCTCACTCTGC[G>A]CAGCGCCCTTCCAGGGGTAGTCCACTGCCTCCAGGAGGTCCTGAAGGACTACTACACGCT-3'
Protein context (NP_002891.1, residues 313-333): LEKALAILTL[Arg323His]SALPGVVHCL